The following is an entry in ClinVar:

ClinVar aggregate classification (germline): Uncertain significance. Review status: criteria provided, multiple submitters, no conflicts (2 of 4 stars). 2 submissions from 2 submitters: Uncertain significance (2). Last evaluated 2023-03-18.

Conditions:
Idiopathic Pulmonary Fibrosis. Also called: Idiopathic fibrosing alveolitis, chronic form; idiopathic fibrosing alveolitis. Identifiers: Orphanet 2032, MedGen C1800706, MeSH D054990, MONDO:0800504.
Dyskeratosis congenita, autosomal dominant 2. Identifiers: MedGen C3151443, MONDO:0013521, OMIM 613989.
Dyskeratosis congenita. Identifiers: Orphanet 1775, MedGen C0265965, MONDO:0015780.

Allele frequency attached by ClinVar (database versions not stated): TOPMed below 0.00001; gnomAD 0.00001.
gnomAD v4.1: 2 of 1,591,740 alleles (0.00013%); highest among the groups gnomAD compares: African/African-American, 0.0027%; no homozygotes.

Submissions (2):

Labcorp Genetics (formerly Invitae), Labcorp
Classification: Uncertain significance for Dyskeratosis congenita, autosomal dominant 2; Idiopathic Pulmonary Fibrosis. Last evaluated: 2023-03-18. Review status: criteria provided, single submitter. Criteria: Invitae Variant Classification Sherloc (09022015). Collection method: clinical testing. Allele origin: germline.
Comment: This variant has not been reported in the literature in individuals affected with TERT-related conditions. In summary, the available evidence is currently insufficient to determine the role of this variant in disease. Therefore, it has been classified as a Variant of Uncertain Significance. Advanced modeling of protein sequence and biophysical properties (such as structural, functional, and spatial information, amino acid conservation, physicochemical variation, residue mobility, and thermodynamic stability) performed at Invitae indicates that this missense variant is not expected to disrupt TERT protein function. ClinVar contains an entry for this variant (Variation ID: 2200048). This variant is not present in population databases (gnomAD no frequency). This sequence change replaces cysteine, which is neutral and slightly polar, with glycine, which is neutral and non-polar, at codon 271 of the TERT protein (p.Cys271Gly).

Ambry Genetics
Classification: Uncertain significance for Dyskeratosis congenita. Last evaluated: 2023-03-03. Review status: criteria provided, single submitter. Criteria: Ambry Variant Classification Scheme 2023. Collection method: clinical testing. Allele origin: germline.
Comment: The p.C271G variant (also known as c.811T>G), located in coding exon 2 of the TERT gene, results from a T to G substitution at nucleotide position 811. The cysteine at codon 271 is replaced by glycine, an amino acid with highly dissimilar properties. This amino acid position is conserved. In addition, this alteration is predicted to be tolerated by in silico analysis. Since supporting evidence is limited at this time, the clinical significance of this alteration remains unclear.

NM_198253.3(TERT):c.811T>G (p.Cys271Gly)

Gene: TERT (telomerase reverse transcriptase; minus strand). Cytogenetic location: 5p15.33.
Variant type: single nucleotide variant.
Coding change: c.811T>G on transcript NM_198253.3 (MANE Select); coding-DNA position 811, T replaced by G.
Protein change: p.Cys271Gly; replaces cysteine 271 with glycine.
Molecular consequence: missense variant. On other transcripts: non-coding transcript variant (2).
Genome position (GRCh38, 1-based): chr5:1,294,075, A>C on the plus strand (T>G on the coding strand, the complement: TERT is on the minus strand). VCF-style: chr5-1294075-A-C. GRCh37 (hg19) VCF-style: chr5-1294190-A-C.
Other names: c.811T>G, p.Cys271Gly (NM_001193376.3, NM_003219.1); short protein forms C271G.
Identifiers: ClinVar variation 2200048 (VCV002200048.6), dbSNP rs1483728464, ClinGen allele CA359056686.